The following is an entry in ClinVar:

ClinVar aggregate classification (germline): Uncertain significance. Review status: criteria provided, multiple submitters, no conflicts (2 of 4 stars). 2 submissions from 2 submitters: Uncertain significance (2). Last evaluated 2025-11-24.

Conditions:
Atrioventricular septal defect 4 (AVSD4). Identifiers: MedGen C3280781, MONDO:0013747, OMIM 614430.

Allele frequency attached by ClinVar (database versions not stated): gnomAD exomes below 0.00001 and 0.00001; TOPMed 0.00001; gnomAD 0.00002 and 0.00003.
gnomAD v4.1: 9 of 1,527,342 alleles (0.00059%); highest among the groups gnomAD compares: African/African-American, 0.0042%; no homozygotes.

Submissions (2):

Labcorp Genetics (formerly Invitae), Labcorp
Classification: Uncertain significance for Atrioventricular septal defect 4. Last evaluated: 2025-11-24. Review status: criteria provided, single submitter. Criteria: Invitae Variant Classification Sherloc (09022015). Collection method: clinical testing. Allele origin: germline.
Comment: This sequence change replaces alanine, which is neutral and non-polar, with valine, which is neutral and non-polar, at codon 200 of the GATA4 protein (p.Ala200Val). The frequency data for this variant in the population databases is considered unreliable, as metrics indicate poor data quality at this position in the gnomAD database. This variant has not been reported in the literature in individuals affected with GATA4-related conditions. ClinVar contains an entry for this variant (Variation ID: 956585). Invitae Evidence Modeling of protein sequence and biophysical properties (such as structural, functional, and spatial information, amino acid conservation, physicochemical variation, residue mobility, and thermodynamic stability) indicates that this missense variant is not expected to disrupt GATA4 protein function with a negative predictive value of 95%. In summary, the available evidence is currently insufficient to determine the role of this variant in disease. Therefore, it has been classified as a Variant of Uncertain Significance.

GeneDx
Classification: Uncertain significance. Last evaluated: 2020-01-15. Review status: criteria provided, single submitter. Criteria: GeneDx Variant Classification Process June 2021. Collection method: clinical testing. Allele origin: germline. Affected: yes.
Comment: Has not been previously published as pathogenic or benign to our knowledge; Not observed at a significant frequency in large population cohorts (Lek et al., 2016); In silico analysis, which includes protein predictors and evolutionary conservation, supports that this variant does not alter protein structure/function

NM_001308093.3(GATA4):c.599C>T (p.Ala200Val)

Gene: GATA4 (GATA binding protein 4). Cytogenetic location: 8p23.1.
Variant type: single nucleotide variant.
Coding change: c.599C>T on transcript NM_001308093.3 (MANE Select); coding-DNA position 599, C replaced by T.
Protein change: p.Ala200Val; replaces alanine 200 with valine.
Molecular consequence: missense variant. On other transcripts: intron variant (3).
Genome position (GRCh38, 1-based): chr8:11,708,911, C>T. VCF-style: chr8-11708911-C-T. GRCh37 (hg19) VCF-style: chr8-11566420-C-T.
Other names: c.599C>T, p.Ala200Val (NM_002052.5); c.-6+8133C>T (NM_001308094.2); c.-3+897C>T (NM_001374274.1); c.-3+4607C>T (NM_001374273.1); short protein forms A200V.
Identifiers: ClinVar variation 956585 (VCV000956585.11), dbSNP rs1313649801, ClinGen allele CA370309966.